The following is an entry in ClinVar:

ClinVar aggregate classification (germline): Uncertain significance. Review status: criteria provided, multiple submitters, no conflicts (2 of 4 stars). 5 submissions from 5 submitters: Uncertain significance (5). Last evaluated 2026-06-16.

Conditions:
WFS1-related disorder. Identifiers: MedGen CN379391, MONDO:0700293.
Cataract 41 (CTRCT41). Also called: CATARACT 41, CONGENITAL NUCLEAR TYPE. Identifiers: Orphanet 91492, Orphanet 98991, Orphanet 98992, Orphanet 98995, MedGen C3805412, MONDO:0007287, OMIM 116400.
Autosomal dominant nonsyndromic hearing loss 6 (LFSNHL). Also called: Autosomal dominant nonsyndromic deafness 6; DEAFNESS, AUTOSOMAL DOMINANT 6; DEAFNESS, AUTOSOMAL DOMINANT 14; DEAFNESS, AUTOSOMAL DOMINANT 38. Identifiers: Orphanet 90635, MedGen C1833021, MONDO:0010963, OMIM 600965.
Type 2 diabetes mellitus. Also called: Type II diabetes mellitus. Identifiers: MedGen C0011860, MeSH D003924, MONDO:0005148, OMIM 125853, HP:0005978.
Wolfram-like syndrome. Also called: HEARING LOSS, PROGRESSIVE, WITH OPTIC ATROPHY AND/OR IMPAIRED GLUCOSE REGULATION. Identifiers: Orphanet 411590, MedGen C3280358, MONDO:0013673, OMIM 614296.
Wolfram syndrome 1 (WFS1). Identifiers: Orphanet 3463, MedGen C4551693, MONDO:0009101, OMIM 222300.

Allele frequency attached by ClinVar (database versions not stated): gnomAD exomes 0.00002 and 0.00004; ExAC 0.00003; gnomAD 0.00003 and 0.00004; TOPMed 0.00003.

Submissions (5):

PreventionGenetics, part of Exact Sciences
Classification: Uncertain significance for WFS1-related condition. Last evaluated: 2026-06-16. Review status: criteria provided, single submitter. Criteria: ACMG Guidelines, 2015. Collection method: clinical testing. Allele origin: germline.
Comment: The WFS1 c.613G>A variant is predicted to result in the amino acid substitution p.Gly205Ser. This variant has been reported with uncertain significance in an individual with type 2 diabetes (Li et al. 2023. PubMed ID: 37277527). This variant is present in 0.035% of alleles in individuals of East Asian descent in gnomAD. At this time, the clinical significance of this variant is uncertain due to the absence of conclusive functional and genetic evidence.

GeneDx
Classification: Uncertain significance. Last evaluated: 2025-08-21. Review status: criteria provided, single submitter. Criteria: GeneDx Variant Classification Process June 2021. Collection method: clinical testing. Allele origin: germline.
Comment: Identified in a patient with early-onset diabetes and determined to be of unclear pathogenicity in published literature (PMID: 40777921); Identified in a patient with diabetes who harbored an additional variant (phase unknown) in the WFS1 gene in published literature (PMID: 37277527); In silico analysis suggests this variant may impact gene splicing. In the absence of RNA/functional studies, the actual effect of this sequence change is unknown.; In silico analysis supports that this missense variant does not alter protein structure/function; This variant is associated with the following publications: (PMID: 37277527, 35910219, 40777921)

Labcorp Genetics (formerly Invitae), Labcorp
Classification: Uncertain significance. Last evaluated: 2025-06-04. Review status: criteria provided, single submitter. Criteria: Invitae Variant Classification Sherloc (09022015). Collection method: clinical testing. Allele origin: germline.
Comment: This sequence change replaces glycine, which is neutral and non-polar, with serine, which is neutral and polar, at codon 205 of the WFS1 protein (p.Gly205Ser). This variant is present in population databases (rs770713329, gnomAD 0.03%). This variant has not been reported in the literature in individuals affected with WFS1-related conditions. ClinVar contains an entry for this variant (Variation ID: 1382171). Invitae Evidence Modeling of protein sequence and biophysical properties (such as structural, functional, and spatial information, amino acid conservation, physicochemical variation, residue mobility, and thermodynamic stability) indicates that this missense variant is not expected to disrupt WFS1 protein function with a negative predictive value of 80%. In summary, the available evidence is currently insufficient to determine the role of this variant in disease. Therefore, it has been classified as a Variant of Uncertain Significance.

Blueprint Genetics
Classification: Uncertain significance. Last evaluated: 2024-11-19. Review status: criteria provided, single submitter. Criteria: ACMG Guidelines, 2015. Collection method: clinical testing. Allele origin: germline.

Fulgent Genetics
Classification: Uncertain significance for Cataract 41; Type 2 diabetes mellitus; Wolfram syndrome 1; Autosomal dominant nonsyndromic hearing loss 6; Wolfram-like syndrome. Last evaluated: 2024-04-09. Review status: criteria provided, single submitter. Criteria: ACMG Guidelines, 2015. Collection method: clinical testing. Allele origin: germline.

NM_006005.3(WFS1):c.613G>A (p.Gly205Ser)

Gene: WFS1 (wolframin ER transmembrane glycoprotein; plus strand). Cytogenetic location: 4p16.1.
Variant type: single nucleotide variant.
Coding change: c.613G>A on transcript NM_006005.3 (MANE Select); coding-DNA position 613, G replaced by A.
Protein change: p.Gly205Ser; replaces glycine 205 with serine.
Molecular consequence: missense variant.
Genome position (GRCh38, 1-based): chr4:6,291,349, G>A. VCF-style: chr4-6291349-G-A. GRCh37 (hg19) VCF-style: chr4-6293076-G-A.
Other names: c.613G>A, p.Gly205Ser (NM_001145853.1); short protein forms G205S.
Identifiers: ClinVar variation 1382171 (VCV001382171.13), dbSNP rs770713329, ClinGen allele CA2838951.